The following is an entry in ClinVar:

ClinVar aggregate classification (germline): Uncertain significance. Review status: criteria provided, multiple submitters, no conflicts (2 of 4 stars). 2 submissions from 2 submitters: Uncertain significance (2). Last evaluated 2024-09-04.

Conditions:
Cardiofaciocutaneous syndrome 1 (CFC1). Also called: BRAF-Related Cardiofaciocutaneous Syndrome; MAP2K1-Related Cardiofaciocutaneous Syndrome; KRAS-Related Cardiofaciocutaneous Syndrome; MAP2K2-Related Cardiofaciocutaneous Syndrome. Identifiers: Orphanet 1340, MedGen CN029449, MONDO:0007265, OMIM 115150. Disease mechanism: gain of function.
RASopathy. Also called: rasopathies; Noonan spectrum disorder. Identifiers: Orphanet 536391, MedGen C5555857, MONDO:0021060.

Allele frequency attached by ClinVar (database versions not stated): gnomAD exomes below 0.00001.
gnomAD v4.1: 3 of 1,474,630 alleles (0.0002%); highest among the groups gnomAD compares: Non-Finnish European, 0.00027%; no homozygotes.

Submissions (2):

Labcorp Genetics (formerly Invitae), Labcorp
Classification: Uncertain significance for RASopathy. Last evaluated: 2024-09-04. Review status: criteria provided, single submitter. Criteria: Invitae Variant Classification Sherloc (09022015). Collection method: clinical testing. Allele origin: germline.
Comment: This sequence change replaces methionine, which is neutral and non-polar, with valine, which is neutral and non-polar, at codon 23 of the BRAF protein (p.Met23Val). This variant is not present in population databases (gnomAD no frequency). This variant has not been reported in the literature in individuals affected with BRAF-related conditions. ClinVar contains an entry for this variant (Variation ID: 930444). Invitae Evidence Modeling of protein sequence and biophysical properties (such as structural, functional, and spatial information, amino acid conservation, physicochemical variation, residue mobility, and thermodynamic stability) indicates that this missense variant is not expected to disrupt BRAF protein function with a negative predictive value of 95%. In summary, the available evidence is currently insufficient to determine the role of this variant in disease. Therefore, it has been classified as a Variant of Uncertain Significance.

Centre for Mendelian Genomics, University Medical Centre Ljubljana
Classification: Uncertain significance for Cardiofaciocutaneous syndrome 1. Last evaluated: 2019-04-29. Review status: criteria provided, single submitter. Criteria: ACMG Guidelines, 2015. Collection method: clinical testing. Allele origin: unknown. Affected: yes.
Comment: This variant was classified as: Uncertain significance. The available evidence on this variant's pathogenicity is insufficient or conflicting. The following ACMG criteria were applied in classifying this variant: PM2,BP4.

NM_004333.6(BRAF):c.67A>G (p.Met23Val)

Gene: BRAF (B-Raf proto-oncogene, serine/threonine kinase; minus strand). Cytogenetic location: 7q34.
Variant type: single nucleotide variant.
Coding change: c.67A>G on transcript NM_004333.6 (MANE Select); coding-DNA position 67, A replaced by G.
Protein change: p.Met23Val; replaces methionine 23 with valine.
Molecular consequence: missense variant.
Genome position (GRCh38, 1-based): chr7:140,924,637, T>C on the plus strand (A>G on the coding strand, the complement: BRAF is on the minus strand). VCF-style: chr7-140924637-T-C. GRCh37 (hg19) VCF-style: chr7-140624437-T-C.
Other names: c.67A>G, p.Met23Val (NM_001354609.2, NM_001374244.1, NM_001374258.1 and 7 more transcripts); short protein forms M23V.
Identifiers: ClinVar variation 930444 (VCV000930444.7), dbSNP rs1818671266, ClinGen allele CA369590163.
Genomic context (GRCh38, chr7:140,924,637, plus strand): 5'-TGGCAGGGTCCGCAGCCGAAGAGGCCGCGGCGCCGGCGCCGGCGCCGGCCTCGGGCTCCA[T>C]GTCCCCGTTGAACAGAGCCTGGCCCGGCTCCGCGCCGCCACCACCGCCACCGCTCAGCGC-3'
Protein context (NP_004324.2, residues 13-33): EPGQALFNGD[Met23Val]EPEAGAGAGA